The following is an entry in ClinVar:

NM_015021.3(ZNF292):c.7117G>A (p.Asp2373Asn)

Gene: ZNF292 (zinc finger protein 292; plus strand). Cytogenetic location: 6q14.3.
Variant type: single nucleotide variant.
Coding change: c.7117G>A on transcript NM_015021.3 (MANE Select); coding-DNA position 7117, G replaced by A.
Protein change: p.Asp2373Asn; replaces aspartic acid 2373 with asparagine.
Molecular consequence: missense variant.
Genome position (GRCh38, 1-based): chr6:87,260,746, G>A. VCF-style: chr6-87260746-G-A. GRCh37 (hg19) VCF-style: chr6-87970464-G-A.
Other names: c.6697G>A, p.Asp2233Asn (NM_001351444.2); short protein forms D2233N, D2373N.
Identifiers: ClinVar variation 4881201 (VCV004881201.2).

ClinVar aggregate classification (germline): Uncertain significance (1 of 4 stars; one submission).

Submission:

Dasa
Classification: Uncertain significance. Last evaluated: 2025-11-25. Review status: criteria provided, single submitter. Criteria: DASA Assertion Criteria. Collection method: clinical testing. Allele origin: germline.
Comment: NM_015021.3(ZNF292):c.7117G>A (p.Asp2373Asn) is a missense variant that results in the substitution of aspartic acid with asparagine. This variant is absent from population databases. Computational prediction algorithms are consistent with a benign effect. The currently available literature and clinical evidence are not sufficient to establish a definitive association between this variant and the reported condition. Therefore, this variant is classified as a variant of uncertain significance.